The following is an entry in ClinVar:

NM_000181.4(GUSB):c.76_79dup (p.Met27fs)

Gene: GUSB (glucuronidase beta; minus strand). Cytogenetic location: 7q11.21.
Variant type: Duplication.
Coding change: c.76_79dup on transcript NM_000181.4 (MANE Select); coding-DNA positions 76 to 79, 4 bases duplicated (GGGA; older notation c.76_79dupGGGA).
Protein change: p.Met27fs; shifts the reading frame from methionine 27.
Molecular consequence: frameshift variant. On other transcripts: 5 prime UTR variant (2), non-coding transcript variant (1).
Genome position (GRCh38, 1-based): chr7:65,982,105-65,982,108, TCCC duplicated on the plus strand (GGGA on the coding strand, the reverse complement: GUSB is on the minus strand). VCF-style (leftmost placement, unchanged base first): chr7-65982104-A-ATCCC. GRCh37 (hg19) VCF-style: chr7-65447091-A-ATCCC.
Other names: c.76_79dup, p.Met27fs (NM_001284290.2); c.-310_-307dup (NM_001293104.2); c.-254_-251dup (NM_001293105.2); short protein forms M27fs.
Identifiers: ClinVar variation 2841797 (VCV002841797.3), dbSNP rs2484858344, ClinGen allele CA2739266447.

ClinVar aggregate classification (germline): Pathogenic (1 of 4 stars; one submission).

Conditions:
Mucopolysaccharidosis type 7 (MPS7). Also called: BETA-GLUCURONIDASE DEFICIENCY; GUSB DEFICIENCY; SLY SYNDROME; MPS VII. Identifiers: Orphanet 584, MedGen C0085132, MONDO:0009662, OMIM 253220.

Submission:

Labcorp Genetics (formerly Invitae), Labcorp
Classification: Pathogenic for Mucopolysaccharidosis type 7. Last evaluated: 2023-03-01. Review status: criteria provided, single submitter. Criteria: Invitae Variant Classification Sherloc (09022015). Collection method: clinical testing. Allele origin: germline.
Comment: For these reasons, this variant has been classified as Pathogenic. This variant has not been reported in the literature in individuals affected with GUSB-related conditions. This variant is not present in population databases (gnomAD no frequency). This sequence change creates a premature translational stop signal (p.Met27Argfs*28) in the GUSB gene. It is expected to result in an absent or disrupted protein product. Loss-of-function variants in GUSB are known to be pathogenic (PMID: 19224584).

Literature cited by the submitters: PubMed 19224584.